The following is an entry in ClinVar:

ClinVar aggregate classification (germline): Likely benign. Review status: criteria provided, single submitter (1 of 4 stars). 2 submissions from 2 submitters: Likely benign (1). 1 of the submissions does not count toward it. Last evaluated 2023-02-01.

Conditions:
MYO7B-related disorder. Also called: MYO7B-related condition.

Allele frequency attached by ClinVar (database versions not stated): ESP Exome Variant Server 0.00171; TOPMed 0.00184; gnomAD 0.00284; ExAC 0.00461; 1000 Genomes Project 0.00080; 1000 Genomes Project 30x 0.00094.
gnomAD v4.1: 5,487 of 1,610,838 alleles (0.34%); highest among the groups gnomAD compares: Non-Finnish European, 0.35%; 21 homozygotes.

Submissions (2):

CeGaT Center for Human Genetics Tuebingen
Classification: Likely benign. Last evaluated: 2023-02-01. Review status: criteria provided, single submitter. Criteria: CeGaT Center For Human Genetics Tuebingen Variant Classification Criteria Version 2. Collection method: clinical testing. Allele origin: germline. Affected: yes. Observed: 1 variant allele.
Comment: MYO7B: BP4, BP7

PreventionGenetics, part of Exact Sciences
Classification: Likely benign for MYO7B-related condition. Last evaluated: 2019-02-28. Review status: no assertion criteria provided. Collection method: clinical testing. Allele origin: germline. Not counted in ClinVar's aggregate classification.
Comment: This variant is classified as likely benign based on ACMG/AMP sequence variant interpretation guidelines (Richards et al. 2015 PMID: 25741868, with internal and published modifications).

NM_001393586.1(MYO7B):c.5697C>T (p.Asn1899=)

Gene: MYO7B (myosin VIIB; plus strand). Cytogenetic location: 2q14.3.
Variant type: single nucleotide variant.
Coding change: c.5697C>T on transcript NM_001393586.1 (MANE Select); coding-DNA position 5697, C replaced by T.
Protein change: p.Asn1899=; no amino-acid change (asparagine 1899 retained).
Molecular consequence: synonymous variant.
Genome position (GRCh38, 1-based): chr2:127,634,667, C>T. VCF-style: chr2-127634667-C-T. GRCh37 (hg19) VCF-style: chr2-128392242-C-T.
Other names: c.5619C>T, p.Asn1873= (NM_001080527.2); c.2178C>T, p.Asn726= (NM_001393594.1); c.5619C>T (NM_001080527.1).
Identifiers: ClinVar variation 2651339 (VCV002651339.25), dbSNP rs199726409, ClinGen allele CA1862372.